The following is an entry in ClinVar:

NM_001142800.2(EYS):c.7337T>C (p.Leu2446Pro)

Gene: EYS (EGF-like photoreceptor maintenance factor; minus strand). Cytogenetic location: 6q12.
Variant type: single nucleotide variant.
Coding change: c.7337T>C on transcript NM_001142800.2 (MANE Select); coding-DNA position 7337, T replaced by C.
Protein change: p.Leu2446Pro; replaces leucine 2446 with proline.
Molecular consequence: missense variant.
Genome position (GRCh38, 1-based): chr6:63,806,264, A>G on the plus strand (T>C on the coding strand, the complement: EYS is on the minus strand). VCF-style: chr6-63806264-A-G. GRCh37 (hg19) VCF-style: chr6-64516157-A-G.
Other names: c.7337T>C, p.Leu2446Pro (NM_001292009.2); short protein forms L2446P.
Identifiers: ClinVar variation 4292681 (VCV004292681.1).

ClinVar aggregate classification (germline): Uncertain significance (1 of 4 stars; one submission).

Conditions:
Retinitis pigmentosa 25 (RP25). Identifiers: Orphanet 791, MedGen C1864446, MONDO:0011272, OMIM 602772.

Submission:

3billion
Classification: Uncertain significance for Retinitis pigmentosa 25. Last evaluated: 2024-11-25. Review status: criteria provided, single submitter. Criteria: ACMG Guidelines, 2015. Collection method: clinical testing. Allele origin: germline. Affected: yes.
Comment: The variant is not observed in the gnomAD v4.1.0 dataset. Predicted Consequence/Location: Missense variant. The majority of the known disease-causing variants of this gene are variants expected to result in premature termination of the protein. In silico tool predictions suggest damaging effect of the variant on gene or gene product [REVEL3Cnet: 0.94 (>=0.6, sensitivity 0.72 and precision 0.9)]. Therefore, this variant is classified as VUS according to the recommendation of ACMG/AMP guideline.